The following is an entry in ClinVar:

ClinVar aggregate classification (germline): Conflicting classifications of pathogenicity. Review status: criteria provided, conflicting classifications (1 of 4 stars). 8 submissions from 8 submitters: Uncertain significance (6); Likely benign (1). 1 of the submissions does not count toward it. Last evaluated 2026-03-04.

Conditions:
Inborn genetic diseases. Identifiers: MedGen C0950123, MeSH D030342.
Retinal dystrophy. Also called: Inherited retinal dystrophy. Identifiers: Orphanet 71862, MedGen C0854723, MeSH D058499, MONDO:0019118, HP:0000556.
PDZD7-related disorder. Also called: PDZD7-related condition; PDZD7-related disorders.

Allele frequency attached by ClinVar (database versions not stated): TOPMed 0.00025; gnomAD 0.00026 and 0.00027; gnomAD exomes 0.00027 and 0.00029; ExAC 0.00061.
gnomAD v4.1: 434 of 1,573,624 alleles (0.028%); highest among the groups gnomAD compares: Middle Eastern, 0.12%; 1 homozygote.

Submissions (8):

PreventionGenetics, part of Exact Sciences
Classification: Uncertain significance for PDZD7-related condition. Last evaluated: 2026-03-04. Review status: criteria provided, single submitter. Criteria: ACMG Guidelines, 2015. Collection method: clinical testing. Allele origin: germline.
Comment: The PDZD7 c.1079G>A variant is predicted to result in the amino acid substitution p.Gly360Asp. To our knowledge, this variant has not been reported in the literature. This variant is reported in 0.040% of alleles in individuals of Latino descent in gnomAD. At this time, the clinical significance of this variant is uncertain due to the absence of conclusive functional and genetic evidence.

GeneDx
Classification: Uncertain significance. Last evaluated: 2025-10-28. Review status: criteria provided, single submitter. Criteria: GeneDx Variant Classification Process June 2021. Collection method: clinical testing. Allele origin: germline.
Comment: In silico analysis suggests that this missense variant does not alter protein structure/function; Has not been previously published as pathogenic or benign to our knowledge

Ambry Genetics
Classification: Uncertain significance for Inborn genetic diseases. Last evaluated: 2025-06-12. Review status: criteria provided, single submitter. Criteria: Ambry Variant Classification Scheme 2023. Collection method: clinical testing. Allele origin: germline.

Labcorp Genetics (formerly Invitae), Labcorp
Classification: Uncertain significance. Last evaluated: 2025-01-13. Review status: criteria provided, single submitter. Criteria: Invitae Variant Classification Sherloc (09022015). Collection method: clinical testing. Allele origin: germline.
Comment: This sequence change replaces glycine, which is neutral and non-polar, with aspartic acid, which is acidic and polar, at codon 360 of the PDZD7 protein (p.Gly360Asp). This variant is present in population databases (rs571399433, gnomAD 0.05%). This variant has not been reported in the literature in individuals affected with PDZD7-related conditions. ClinVar contains an entry for this variant (Variation ID: 281754). Invitae Evidence Modeling of protein sequence and biophysical properties (such as structural, functional, and spatial information, amino acid conservation, physicochemical variation, residue mobility, and thermodynamic stability) indicates that this missense variant is not expected to disrupt PDZD7 protein function with a negative predictive value of 80%. In summary, the available evidence is currently insufficient to determine the role of this variant in disease. Therefore, it has been classified as a Variant of Uncertain Significance.

Blueprint Genetics
Classification: Likely benign. Last evaluated: 2024-11-08. Review status: criteria provided, single submitter. Criteria: ACMG Guidelines, 2015. Collection method: clinical testing. Allele origin: germline.

Athena Diagnostics
Classification: Uncertain significance. Last evaluated: 2018-08-31. Review status: criteria provided, single submitter. Criteria: Athena Diagnostics Criteria. Collection method: clinical testing. Allele origin: germline.

Eurofins Ntd Llc (ga)
Classification: Uncertain significance. Last evaluated: 2015-07-30. Review status: criteria provided, single submitter. Criteria: EGL Classification Definitions 2015. Collection method: clinical testing. Allele origin: germline. Observed: 1 variant allele, 1 heterozygote.

Institute of Human Genetics, Univ. Regensburg, Univ. Regensburg
Classification: Uncertain significance for Retinal dystrophy. Last evaluated: 2022-01-01. Review status: no assertion criteria provided. Criteria: ACMG Guidelines, 2015. Collection method: clinical testing. Allele origin: germline. Affected: yes. Not counted in ClinVar's aggregate classification.

NM_001195263.2(PDZD7):c.1079G>A (p.Gly360Asp)

Gene: PDZD7 (PDZ domain containing 7; minus strand). Cytogenetic location: 10q24.31.
Variant type: single nucleotide variant.
Coding change: c.1079G>A on transcript NM_001195263.2 (MANE Select); coding-DNA position 1079, G replaced by A.
Protein change: p.Gly360Asp; replaces glycine 360 with aspartic acid.
Molecular consequence: missense variant.
Genome position (GRCh38, 1-based): chr10:101,019,067, C>T on the plus strand (G>A on the coding strand, the complement: PDZD7 is on the minus strand). VCF-style: chr10-101019067-C-T. GRCh37 (hg19) VCF-style: chr10-102778824-C-T.
Other names: c.1079G>A, p.Gly360Asp (NM_001351044.2, NM_024895.5); short protein forms G360D.
Identifiers: ClinVar variation 281754 (VCV000281754.19), dbSNP rs571399433, ClinGen allele CA5654167.